The following is an entry in ClinVar:

NM_201384.3(PLEC):c.13589G>A (p.Arg4530His)

Gene: PLEC (plectin; minus strand). Cytogenetic location: 8q24.3.
Variant type: single nucleotide variant.
Coding change: c.13589G>A on transcript NM_201384.3 (MANE Select); coding-DNA position 13589, G replaced by A.
Protein change: p.Arg4530His; replaces arginine 4530 with histidine.
Molecular consequence: missense variant.
Genome position (GRCh38, 1-based): chr8:143,916,232, C>T on the plus strand (G>A on the coding strand, the complement: PLEC is on the minus strand). VCF-style: chr8-143916232-C-T. GRCh37 (hg19) VCF-style: chr8-144990400-C-T.
Other names: c.13670G>A, p.Arg4557His (NM_000445.5); c.10289G>A, p.Arg3430His (NM_001410941.1); c.13547G>A, p.Arg4516His (NM_201378.4); c.13523G>A, p.Arg4508His (NM_201379.3); c.14000G>A, p.Arg4667His (NM_201380.4); c.13493G>A, p.Arg4498His (NM_201381.3); c.13589G>A, p.Arg4530His (NM_201382.4); c.13601G>A, p.Arg4534His (NM_201383.3); short protein forms R3430H, R4498H, R4508H, R4516H, R4530H, R4534H, R4557H, R4667H.
Identifiers: ClinVar variation 3375429 (VCV003375429.5).
Genomic context (GRCh38, chr8:143,916,232, plus strand): 5'-CAGCCTCAGGCCACGGCAGACTCAGGGCCCCCCAGGGAGGCCGAGGACCCCGAGGCGTAG[C>T]GGCGGCCGTAGCCCGAGGAGGAGTAGGAGGATGAAGAGAAGGTCATGGAGAAGCCGGAGC-3'
Protein context (NP_958786.1, residues 4520-4540): SSYSSSGYGR[Arg4530His]YASGSSASLG

ClinVar aggregate classification (germline): Uncertain significance. Review status: criteria provided, multiple submitters, no conflicts (2 of 4 stars). 4 submissions from 4 submitters: Uncertain significance (4). Last evaluated 2025-08-12.

Conditions:
Epidermolysis bullosa simplex, Ogna type (EBS5A). Also called: Pidermolysis bullosa simplex 5A, Ogna type; EPIDERMOLYSIS BULLOSA SIMPLEX 5A, OGNA TYPE. Identifiers: Orphanet 79401, MedGen C0432317, MONDO:0007555, OMIM 131950.
Epidermolysis bullosa simplex 5C, with pyloric atresia (EBS5C). Also called: PLEC-Related Epidermolysis Bullosa with Pyloric Atresia; Epidermolysis bullosa simplex with pyloric atresia; PLEC1-Related Epidermolysis Bullosa with Pyloric Atresia. Identifiers: Orphanet 158684, MedGen C2677349, MONDO:0012807, OMIM 612138.
Epidermolysis bullosa simplex 5B, with muscular dystrophy (EBS5B). Also called: EPIDERMOLYSIS BULLOSA SIMPLEX AND LIMB-GIRDLE MUSCULAR DYSTROPHY; Epidermolysis bullosa simplex with muscular dystrophy. Identifiers: Orphanet 257, MedGen C2931072, MONDO:0009181, OMIM 226670.
Autosomal recessive limb-girdle muscular dystrophy type 2Q (LGMDR17). Also called: MUSCULAR DYSTROPHY, LIMB-GIRDLE, AUTOSOMAL RECESSIVE 17. Identifiers: Orphanet 254361, MedGen C3150989, MONDO:0013390, OMIM 613723.
Epidermolysis bullosa simplex with nail dystrophy (EBS5D). Identifiers: MedGen C4225309, MONDO:0014661, OMIM 616487.

gnomAD v4.1: 28 of 1,546,384 alleles (0.0018%); highest among the groups gnomAD compares: South Asian, 0.015%; no homozygotes.

Submissions (4):

Labcorp Genetics (formerly Invitae), Labcorp
Classification: Uncertain significance for Autosomal recessive limb-girdle muscular dystrophy type 2Q; Epidermolysis bullosa simplex, Ogna type; Epidermolysis bullosa simplex with nail dystrophy; Epidermolysis bullosa simplex 5C, with pyloric atresia; Epidermolysis bullosa simplex 5B, with muscular dystrophy. Last evaluated: 2025-08-12. Review status: criteria provided, single submitter. Criteria: Invitae Variant Classification Sherloc (09022015). Collection method: clinical testing. Allele origin: germline.
Comment: This sequence change replaces arginine, which is basic and polar, with histidine, which is basic and polar, at codon 4557 of the PLEC protein (p.Arg4557His). The frequency data for this variant in the population databases is considered unreliable, as metrics indicate poor data quality at this position in the gnomAD database. This variant has not been reported in the literature in individuals affected with PLEC-related conditions. ClinVar contains an entry for this variant (Variation ID: 3375429). Experimental studies and prediction algorithms are not available or were not evaluated, and the functional significance of this variant is currently unknown. In summary, the available evidence is currently insufficient to determine the role of this variant in disease. Therefore, it has been classified as a Variant of Uncertain Significance.

Women's Health and Genetics/Laboratory Corporation of America, LabCorp
Classification: Uncertain significance. Last evaluated: 2024-09-17. Review status: criteria provided, single submitter. Criteria: LabCorp Variant Classification Summary - May 2015. Collection method: clinical testing. Allele origin: germline.
Comment: Variant summary: PLEC c.13670G>A (p.Arg4557His) results in a non-conservative amino acid change in the encoded protein sequence. Four of four in-silico tools predict a damaging effect of the variant on protein function. The variant allele was found at a frequency of 1.8e-05 in 1540586 control chromosomes in the gnomAD database (v4.1 dataset). To our knowledge, no occurrence of c.13670G>A in individuals affected with PLEC-Related Disorders and no experimental evidence demonstrating its impact on protein function have been reported. No submitters have cited clinical-significance assessments for this variant to ClinVar. Based on the evidence outlined above, the variant was classified as uncertain significance.

Blueprint Genetics
Classification: Uncertain significance. Last evaluated: 2024-09-10. Review status: criteria provided, single submitter. Criteria: ACMG Guidelines, 2015. Collection method: clinical testing. Allele origin: germline.

Revvity Omics, Revvity
Classification: Uncertain significance. Last evaluated: 2024-06-11. Review status: criteria provided, single submitter. Criteria: ACMG Guidelines, 2015. Collection method: clinical testing. Allele origin: germline.